The following continues an entry in ClinVar:

NM_001009944.3(PKD1):c.8311G>A (p.Glu2771Lys)

Gene: PKD1. ClinVar aggregate classification (germline): Conflicting classifications of pathogenicity. Pathogenic (21); Likely pathogenic (5); Uncertain significance (1).

Submissions 13 to 29 of 29:

Pittsburgh Clinical Genomics Laboratory, University of Pittsburgh Medical Center
Classification: Pathogenic for Polycystic kidney disease, adult type. Last evaluated: 2023-12-15. Review status: criteria provided, single submitter. Criteria: ACMG Guidelines, 2015. Collection method: clinical testing. Allele origin: germline. Inheritance: Autosomal dominant inheritance. Affected: yes.
Comment: This sequence variant is a single nucleotide substitution (G>A) at position 8311 of the coding sequence of the PKD1 gene that results in a glutamic acid to lysine amino acid change at residue 2771 of the polycystin 1, transient receptor potential channel interacting protein. The 2771 residue falls in the REJ domain of PKD1 (UniProt). This is a previously reported variant (ClinVar 374097) that has been observed in many individuals and families affected by polycystic kidney disease (PMID: 36646975, 33437386, 32381729, 33315352, 26632257, 24694054, 27499327, 33532864, 31738409, 32203225, 31056860, 30333007, 25333066, 23431072, 22508176, 17582161, 16430766, 11115377). This variant is present in 1 of 151674 alleles (0.0007%) in the gnomAD population dataset. Multiple bioinformatic tools predict that this glutamic acid to lysine amino acid change would be damaging, and the Glu2771 residue at this position is highly conserved across the vertebrate species examined. Studies suggest that that the protein produced from this variant demonstrates a lack of PC-1 cleavage at the GPS domain (PMID: 23760289, 23064367, 17574468, 12482949). Based upon the evidence, we consider this variant to be pathogenic. ACMG Criteria: PM2, PP1, PP3, PS3, PS4

Laboratory of Medical Genetics, National & Kapodistrian University of Athens
Classification: Pathogenic for Polycystic kidney disease, adult type. Last evaluated: 2023-10-27. Review status: criteria provided, single submitter. Criteria: ACMG Guidelines, 2015. Collection method: clinical testing. Allele origin: germline. Affected: yes.
Comment: PS3, PS4, PM2, PP3, PP5 - The variant has been reported in ClinVar as Pathogenic/Likely Pathogenic by other laboratories (Variation ID 374097). This variant has been previously reported as causative for polycystic kidney disease. (PMID:36646975, 27499327).

Institute for Clinical Genetics, University Hospital TU Dresden, University Hospital TU Dresden
Classification: Pathogenic. Last evaluated: 2023-07-12. Review status: criteria provided, single submitter. Criteria: ACMG Guidelines, 2015. Collection method: clinical testing. Allele origin: germline.
Comment: PM1_SUP, PS4, PM2_SUP, PS3

Department of Human Genetics, Hannover Medical School
Classification: Likely pathogenic for Polycystic kidney disease, adult type. Last evaluated: 2023-04-13. Review status: criteria provided, single submitter. Criteria: ACMG Guidelines, 2015. Collection method: clinical testing. Allele origin: germline. Inheritance: Autosomal dominant inheritance. Affected: yes.

GeneDx
Classification: Pathogenic. Last evaluated: 2022-11-17. Review status: criteria provided, single submitter. Criteria: GeneDx Variant Classification Process June 2021. Collection method: clinical testing. Allele origin: germline. Affected: yes.
Comment: Published functional studies demonstrate a damaging effect; the E2771K variant disrupts the normal cleavage of the protein (Qian et al., 2002; Garcia-Gonzalez et al., 2007; Hopp et al., 2012); Not observed in large population cohorts (gnomAD); In silico analysis, which includes protein predictors and evolutionary conservation, supports a deleterious effect; This variant is associated with the following publications: (PMID: 17574468, 27782177, 22333914, 12482949, 32381729, 12842373, 11961010, 25333066, 17582161, 31056860, 27499327, 31740684, 30816285, 16430766, 23431072, 11115377, 22508176, 22383692, 30333007, 26632257, 21694639, 33226606, 33437033, 34032358, 23064367, 33437386, 30586318)

Greenwood Genetic Center Diagnostic Laboratories, Greenwood Genetic Center
Classification: Pathogenic for Polycystic kidney disease, adult type. Last evaluated: 2022-01-04. Review status: criteria provided, single submitter. Criteria: ACMG Guidelines, 2015. Collection method: clinical testing. Allele origin: germline. Affected: yes.
Comment: PS4, PS3_Moderate, PM2

Athena Diagnostics
Classification: Pathogenic. Last evaluated: 2020-08-25. Review status: criteria provided, single submitter. Criteria: Athena Diagnostics criteria. Collection method: clinical testing. Allele origin: unknown.
Comment: This variant has not been reported in large, multi-ethnic general populations. This variant has been identified in multiple unrelated individuals with clinical features associated with this gene. Assessment of experimental evidence suggests this variant results in abnormal protein function. Experiments show this variant disrupts cleavage of polycystin-1, abolishing its ability to activate downstream signaling (PMID: 12482949). Computational tools predict that this variant is damaging. The variant is located in a region that is considered important for protein function and/or structure

Molecular Biology Laboratory, Fundació Puigvert
Classification: Likely pathogenic for Polycystic kidney disease, adult type. Last evaluated: 2020-02-01. Review status: criteria provided, single submitter. Criteria: ACMG Guidelines, 2015. Collection method: research. Allele origin: maternal. Affected: yes. Study: KidneyPanel_2020.

Mendelics
Classification: Pathogenic for Polycystic kidney disease, adult type. Last evaluated: 2019-05-28. Review status: criteria provided, single submitter. Criteria: Mendelics Assertion Criteria 2017. Collection method: clinical testing. Allele origin: unknown.

Molecular Genetics of Inherited Kidney Disorders Laboratory, Garvan Institute of Medical Research
Classification: Likely pathogenic for Autosomal dominant polycystic kidney disease. Last evaluated: 2019-01-01. Review status: criteria provided, single submitter. Criteria: ACMG Guidelines, 2015. Collection method: research. Allele origin: germline. Affected: yes.

Fulgent Genetics
Classification: Pathogenic for Polycystic kidney disease, adult type. Last evaluated: 2018-10-31. Review status: criteria provided, single submitter. Criteria: ACMG Guidelines, 2015. Collection method: clinical testing. Allele origin: unknown.

Gharavi Laboratory, Columbia University
Classification: Pathogenic. Last evaluated: 2018-09-16. Review status: criteria provided, single submitter. Criteria: ACMG Guidelines, 2015. Collection method: research. Allele origin: germline. Affected: yes.

Centre for Mendelian Genomics, University Medical Centre Ljubljana
Classification: Pathogenic for Hypertensive disorder; Multiple renal cysts. Last evaluated: 2015-08-19. Review status: criteria provided, single submitter. Criteria: ACMG Guidelines, 2015. Collection method: clinical testing. Allele origin: unknown. Affected: yes.

Clinical Genetics Service, Universitary Hospital 12 de Octubre
Classification: Pathogenic for Polycystic kidney disease, adult type. Review status: criteria provided, single submitter. Criteria: ACMG Guidelines, 2015. Collection method: clinical testing. Allele origin: germline. Affected: yes.

Juno Genomics, Hangzhou Juno Genomics, Inc
Classification: Pathogenic for Polycystic kidney disease, adult type. Review status: criteria provided, single submitter. Criteria: ACMG Guidelines, 2015. Collection method: clinical testing. Allele origin: germline. Affected: yes.
Comment: Absent from controls (or at extremely low frequency if recessive) in Genome Aggregation Database, Exome Sequencing Project, 1000 Genomes Project, or Exome Aggregation Consortium.;The prevalence of the variant in affected individuals is significantly increased compared to the prevalence in controls.;Co-segregation with disease in multiple affected family members in a gene definitively known to cause the disease.;Well-established in vitro or in vivo functional studies supportive of a damaging effect on the gene or gene product.

Department of Pathology and Laboratory Medicine, Sinai Health System
Classification: Likely pathogenic for Polycystic Kidney disease. Review status: no assertion criteria provided. Collection method: clinical testing. Allele origin: unknown. Affected: yes. Study: The Canadian Open Genetics Repository (COGR). Not counted in ClinVar's aggregate classification.
Comment: The PKD1 p.Glu2771Lys variant was identified in 33 of 5314 proband chromosomes (frequency: 0.006) from individuals or families with ADPKD and was not identified in 460 control chromosomes from healthy individuals (Audrezet 2012, Carrera 2016, Cornec-Le Gall 2013, Garcia-Gonzalez 2007, Liu 2015, Obeidova 2014, Rossetti 2001, Rossetti 2007, Trujillano 2014, Vouk 2006); several of these studies also demonstrated that the variant segregated with disease (Cornec-Le Gall 2013, Obeidova 2014, Vouk 2006). The variant was also identified in dbSNP (ID: rs1057518897) as "With Pathogenic allele", ClinVar (classified as pathogenic by Athena Diagnostics and two other submitters), and ADPKD Mutation Database (as Highly Likely Pathogenic). The variant was not identified in LOVD 3.0, PKD1-LOVD, the Exome Aggregation Consortium (August 8th 2016) or the Genome Aggregation Database (Feb 27, 2017). Two studies demonstrated that the variant disrupts cleavage at the polycystin-1 domain (Garcia-Gonzalez 2007, Paul 2014). The p.Glu2771 residue is conserved in mammals but not in more distantly related organisms, and four out of five computational analyses (PolyPhen-2, SIFT, AlignGVGD, BLOSUM, MutationTaster) suggest that the variant may impact the protein; however, this information is not predictive enough to assume pathogenicity. The variant occurs outside of the splicing consensus sequence and in silico or computational prediction software programs (SpliceSiteFinder, MaxEntScan, NNSPLICE, GeneSplicer) do not predict a difference in splicing. In summary, based on the above information, the clinical significance of this variant cannot be determined with certainty at this time although we would lean towards a more pathogenic role for this variant. This variant is classified as likely pathogenic.

Molecular Genetics of Inherited Kidney Disorders Laboratory, Garvan Institute of Medical Research
Classification: Likely pathogenic. Last evaluated: 2019-01-01. Review status: flagged submission. Criteria: ACMG Guidelines, 2015. Collection method: clinical testing. Allele origin: germline. Affected: yes. Not counted in ClinVar's aggregate classification.
ClinVar note: Reason: This record appears to be redundant with a more recent record from the same submitter.
ClinVar note: Notes: SCV001422389 appears to be redundant with SCV001430274.

Literature cited by the submitters: PubMed 11115377 (cited by 6 submitters); PubMed 32381729 (cited by 4 submitters); PubMed 17574468 (cited by 4 submitters); PubMed 12482949 (cited by 5 submitters); PubMed 27782177 (cited by OLLIN Analises Genomicas, OLLIN); PubMed 22333914 (cited by OLLIN Analises Genomicas, OLLIN); PubMed 23431072 (cited by 4 submitters); PubMed 24694054 (cited by 4 submitters); PubMed 25333066 (cited by 3 submitters); PubMed 26632257 (cited by 4 submitters); PubMed 27499327 (cited by 4 submitters); PubMed 23064367 (cited by 4 submitters); PubMed 17582161 (cited by Pittsburgh Clinical Genomics Laboratory, University of Pittsburgh Medical Center and Athena Diagnostics); PubMed 33437386 (cited by Pittsburgh Clinical Genomics Laboratory, University of Pittsburgh Medical Center); PubMed 23760289 (cited by Pittsburgh Clinical Genomics Laboratory, University of Pittsburgh Medical Center and Athena Diagnostics); PubMed 31738409 (cited by Pittsburgh Clinical Genomics Laboratory, University of Pittsburgh Medical Center and Athena Diagnostics); PubMed 32203225 (cited by Pittsburgh Clinical Genomics Laboratory, University of Pittsburgh Medical Center and Athena Diagnostics); PubMed 33532864 (cited by Pittsburgh Clinical Genomics Laboratory, University of Pittsburgh Medical Center and Molecular Biology Laboratory, Fundació Puigvert); PubMed 33315352 (cited by Pittsburgh Clinical Genomics Laboratory, University of Pittsburgh Medical Center); PubMed 36646975 (cited by Pittsburgh Clinical Genomics Laboratory, University of Pittsburgh Medical Center); PubMed 31056860 (cited by Pittsburgh Clinical Genomics Laboratory, University of Pittsburgh Medical Center and Athena Diagnostics); PubMed 30333007 (cited by Pittsburgh Clinical Genomics Laboratory, University of Pittsburgh Medical Center and Athena Diagnostics); PubMed 16430766 (cited by Pittsburgh Clinical Genomics Laboratory, University of Pittsburgh Medical Center and Athena Diagnostics); PubMed 22508176 (cited by Pittsburgh Clinical Genomics Laboratory, University of Pittsburgh Medical Center and Athena Diagnostics); PubMed 29801666 (cited by Athena Diagnostics); PubMed 26950445 (cited by Athena Diagnostics).